The following is an entry in ClinVar:

NM_001118887.2(ANGPT2):c.1080G>A (p.Ser360=)

Genes: ANGPT2 (angiopoietin 2; minus strand), MCPH1 (microcephalin 1; plus strand). Cytogenetic location: 8p23.1.
Variant type: single nucleotide variant.
Coding change: c.1080G>A on transcript NM_001118887.2 (MANE Select); coding-DNA position 1080, G replaced by A.
Protein change: p.Ser360=; no amino-acid change (serine 360 retained).
Molecular consequence: synonymous variant. On other transcripts: intron variant (6).
Genome position (GRCh38, 1-based): chr8:6,513,794, C>T on the plus strand (G>A on the coding strand, the complement: ANGPT2 is on the minus strand). VCF-style: chr8-6513794-C-T. GRCh37 (hg19) VCF-style: chr8-6371315-C-T.
Other names: c.927G>A, p.Ser309= (NM_001118888.2); c.1083G>A, p.Ser361= (NM_001147.3, NM_001386336.1); c.924G>A, p.Ser308= (NM_001386335.1); c.1080G>A, p.Ser360= (NM_001386337.1); c.2214+13865C>T (NM_001322042.2, NM_024596.5, NM_001363979.1 and 2 more transcripts); c.1935+58542C>T (NM_001363980.2).
Identifiers: ClinVar variation 3388818 (VCV003388818.14).
Genomic context (GRCh38, chr8:6,513,794, plus strand): 5'-ATTCCCTTCCCAGTCTTTAAGGTGTATTTTAAGCACATAGCGTTGCTGATTAGTCAGTTG[C>T]GAAACAAACTCATTTCCCAGCCAATATTCTCCTGAAGGGTTACCAAATCCCTGTAATGCA-3'
Protein context (NP_001112359.1, residues 350-370): GEYWLGNEFV[Ser360=]QLTNQQRYVL

ClinVar aggregate classification (germline): Likely benign (1 of 4 stars; one submission).

gnomAD v4.1: 104 of 1,613,786 alleles (0.0064%); highest among the groups gnomAD compares: Admixed American, 0.012%; no homozygotes.

Submission:

CeGaT Center for Human Genetics Tuebingen
Classification: Likely benign. Last evaluated: 2024-09-01. Review status: criteria provided, single submitter. Criteria: CeGaT Center For Human Genetics Tuebingen Variant Classification Criteria Version 2. Collection method: clinical testing. Allele origin: germline. Affected: yes. Observed: 1 variant allele.
Comment: ANGPT2: BP4, BP7